The following is an entry in ClinVar:

NM_020708.5(SLC12A5):c.482-6C>T

Gene: SLC12A5 (solute carrier family 12 member 5; plus strand). Cytogenetic location: 20q13.12.
Variant type: single nucleotide variant.
Coding change: c.482-6C>T on transcript NM_020708.5 (MANE Select); 6 bases into the intron before coding-DNA position 482, C replaced by T.
Molecular consequence: intron variant.
Genome position (GRCh38, 1-based): chr20:46,037,249, C>T. VCF-style: chr20-46037249-C-T. GRCh37 (hg19) VCF-style: chr20-44665888-C-T.
Other names: c.551-6C>T (NM_001134771.2, NM_001134771.1).
Identifiers: ClinVar variation 2093821 (VCV002093821.5), dbSNP rs2515634781, ClinGen allele CA2580098237.

ClinVar aggregate classification (germline): Conflicting classifications of pathogenicity. Review status: criteria provided, conflicting classifications (1 of 4 stars). 2 submissions from 2 submitters: Uncertain significance (1); Likely benign (1). Last evaluated 2025-05-23.

Conditions:
Developmental and epileptic encephalopathy, 34 (DEE34). Also called: SLC12A5-Related Epilepsy of Infancy with Migrating Focal Seizures; Early infantile epileptic encephalopathy 34. Identifiers: Orphanet 293181, MedGen C4225257, MONDO:0014718, OMIM 616645.

Submissions (2):

Ambry Genetics
Classification: Uncertain significance. Last evaluated: 2025-05-23. Review status: criteria provided, single submitter. Criteria: Ambry Variant Classification Scheme 2023. Collection method: clinical testing. Allele origin: germline.
Comment: Does not currently meet published gene-disease clinical validity criteria Based on insufficient or conflicting evidence, the clinical significance of this alteration remains unclear.

Labcorp Genetics (formerly Invitae), Labcorp
Classification: Likely benign for Developmental and epileptic encephalopathy, 34. Last evaluated: 2022-08-15. Review status: criteria provided, single submitter. Criteria: Invitae Variant Classification Sherloc (09022015). Collection method: clinical testing. Allele origin: germline.

Literature cited by the submitters: PubMed 28106320 (cited by Ambry Genetics).